The following is an entry in ClinVar:

ClinVar aggregate classification (germline): Uncertain significance (1 of 4 stars; one submission).

Conditions:
SLC35A1-congenital disorder of glycosylation. Also called: CDG IIf; SLC35A1-CDG; CONGENITAL DISORDER OF GLYCOSYLATION, TYPE IIf. Identifiers: Orphanet 238459, MedGen C1970344, MONDO:0011342, OMIM 603585.

gnomAD v4.1: 37 of 682,058 alleles (0.0054%); highest among the groups gnomAD compares: East Asian, 0.071%; no homozygotes.

Submission:

Labcorp Genetics (formerly Invitae), Labcorp
Classification: Uncertain significance for SLC35A1-congenital disorder of glycosylation. Last evaluated: 2023-08-17. Review status: criteria provided, single submitter. Criteria: Invitae Variant Classification Sherloc (09022015). Collection method: clinical testing. Allele origin: germline.
Comment: This variant has not been reported in the literature in individuals affected with SLC35A1-related conditions. In summary, the available evidence is currently insufficient to determine the role of this variant in disease. Therefore, it has been classified as a Variant of Uncertain Significance. Algorithms developed to predict the effect of missense changes on protein structure and function output the following: SIFT: "Not Available"; PolyPhen-2: "Benign"; Align-GVGD: "Not Available". The threonine amino acid residue is found in multiple mammalian species, which suggests that this missense change does not adversely affect protein function. ClinVar contains an entry for this variant (Variation ID: 2064523). This variant is not present in population databases (gnomAD no frequency). This sequence change replaces alanine, which is neutral and non-polar, with threonine, which is neutral and polar, at codon 3 of the SLC35A1 protein (p.Ala3Thr).

NM_006416.5(SLC35A1):c.7G>A (p.Ala3Thr)

Gene: SLC35A1 (solute carrier family 35 member A1; plus strand). Cytogenetic location: 6q15.
Variant type: single nucleotide variant.
Coding change: c.7G>A on transcript NM_006416.5 (MANE Select); coding-DNA position 7, G replaced by A.
Protein change: p.Ala3Thr; replaces alanine 3 with threonine.
Molecular consequence: missense variant.
Genome position (GRCh38, 1-based): chr6:87,473,010, G>A. VCF-style: chr6-87473010-G-A. GRCh37 (hg19) VCF-style: chr6-88182728-G-A.
Other names: c.7G>A, p.Ala3Thr (NM_001168398.2); short protein forms A3T.
Identifiers: ClinVar variation 2064523 (VCV002064523.4), dbSNP rs149903512, ClinGen allele CA142860588.